The following is an entry in ClinVar:

ClinVar aggregate classification (germline): Uncertain significance. Review status: criteria provided, multiple submitters, no conflicts (2 of 4 stars). 2 submissions from 2 submitters: Uncertain significance (2). Last evaluated 2025-09-11.

Conditions:
Cardiovascular phenotype. Identifiers: MedGen CN230736.
Long QT syndrome (LQTS). Identifiers: MedGen C0023976, MeSH D008133, MONDO:0002442. Disease mechanism: loss of function. Inheritance: Various modes of inheritance.

gnomAD v4.1: 2 of 1,590,846 alleles (0.00013%); highest among the groups gnomAD compares: Non-Finnish European, 0.00017%; no homozygotes.

Submissions (2):

Labcorp Genetics (formerly Invitae), Labcorp
Classification: Uncertain significance for Long QT syndrome. Last evaluated: 2025-09-11. Review status: criteria provided, single submitter. Criteria: Invitae Variant Classification Sherloc (09022015). Collection method: clinical testing. Allele origin: germline.
Comment: This sequence change replaces glycine, which is neutral and non-polar, with arginine, which is basic and polar, at codon 1154 of the KCNH2 protein (p.Gly1154Arg). This variant is not present in population databases (gnomAD no frequency). This variant has not been reported in the literature in individuals affected with KCNH2-related conditions. ClinVar contains an entry for this variant (Variation ID: 1731642). An algorithm developed to predict the effect of missense changes on protein structure and function (PolyPhen-2) suggests that this variant is likely to be disruptive. In summary, the available evidence is currently insufficient to determine the role of this variant in disease. Therefore, it has been classified as a Variant of Uncertain Significance.

Ambry Genetics
Classification: Uncertain significance for Cardiovascular phenotype. Last evaluated: 2019-11-19. Review status: criteria provided, single submitter. Criteria: Ambry Variant Classification Scheme 2023. Collection method: clinical testing. Allele origin: germline.
Comment: The p.G1154R variant (also known as c.3460G>C), located in coding exon 15 of the KCNH2 gene, results from a G to C substitution at nucleotide position 3460. The glycine at codon 1154 is replaced by arginine, an amino acid with dissimilar properties. This amino acid position is well conserved in available vertebrate species. In addition, this alteration is predicted to be deleterious by in silico analysis. Since supporting evidence is limited at this time, the clinical significance of this alteration remains unclear.

NM_000238.4(KCNH2):c.3460G>C (p.Gly1154Arg)

Gene: KCNH2 (potassium voltage-gated channel subfamily H member 2; minus strand). Cytogenetic location: 7q36.1.
Variant type: single nucleotide variant.
Coding change: c.3460G>C on transcript NM_000238.4 (MANE Select); coding-DNA position 3460, G replaced by C.
Protein change: p.Gly1154Arg; replaces glycine 1154 with arginine.
Molecular consequence: missense variant.
Genome position (GRCh38, 1-based): chr7:150,945,385, C>G on the plus strand (G>C on the coding strand, the complement: KCNH2 is on the minus strand). VCF-style: chr7-150945385-C-G. GRCh37 (hg19) VCF-style: chr7-150642473-C-G.
Other names: c.3172G>C, p.Gly1058Arg (NM_001406753.1); c.2440G>C, p.Gly814Arg (NM_172057.3); short protein forms G1058R, G814R, G1154R.
Identifiers: ClinVar variation 1731642 (VCV001731642.3), dbSNP rs199473548, ClinGen allele CA369851373.